The following is an entry in ClinVar:

NM_001206927.2(DNAH8):c.2305C>T (p.Arg769Cys)

Gene: DNAH8 (dynein axonemal heavy chain 8; plus strand). Cytogenetic location: 6p21.2.
Variant type: single nucleotide variant.
Coding change: c.2305C>T on transcript NM_001206927.2 (MANE Select); coding-DNA position 2305, C replaced by T.
Protein change: p.Arg769Cys; replaces arginine 769 with cysteine.
Molecular consequence: missense variant.
Genome position (GRCh38, 1-based): chr6:38,783,049, C>T. VCF-style: chr6-38783049-C-T. GRCh37 (hg19) VCF-style: chr6-38750825-C-T.
Other names: c.2305C>T (NM_001206927.1); c.1654C>T, p.Arg552Cys (NM_001371.4); short protein forms R769C, R552C.
Identifiers: ClinVar variation 2175738 (VCV002175738.5), dbSNP rs533818443, ClinGen allele CA3788486.

ClinVar aggregate classification (germline): Uncertain significance. Review status: criteria provided, multiple submitters, no conflicts (2 of 4 stars). 2 submissions from 2 submitters: Uncertain significance (2). Last evaluated 2024-10-14.

Conditions:
Primary ciliary dyskinesia. Also called: Ciliary dyskinesia. Identifiers: Orphanet 244, MedGen C0008780, MONDO:0016575, HP:0012265.

Allele frequency attached by ClinVar (database versions not stated): gnomAD exomes 0.00001; ExAC 0.00002; gnomAD 0.00005; TOPMed 0.00005; 1000 Genomes Project 0.00040; 1000 Genomes Project 30x 0.00062.
gnomAD v4.1: 24 of 1,613,780 alleles (0.0015%); highest among the groups gnomAD compares: East Asian, 0.018%; no homozygotes.

Submissions (2):

Labcorp Genetics (formerly Invitae), Labcorp
Classification: Uncertain significance for Primary ciliary dyskinesia. Last evaluated: 2024-10-14. Review status: criteria provided, single submitter. Criteria: Invitae Variant Classification Sherloc (09022015). Collection method: clinical testing. Allele origin: germline.
Comment: This sequence change replaces arginine, which is basic and polar, with cysteine, which is neutral and slightly polar, at codon 769 of the DNAH8 protein (p.Arg769Cys). This variant is present in population databases (rs533818443, gnomAD 0.02%). This variant has not been reported in the literature in individuals affected with DNAH8-related conditions. ClinVar contains an entry for this variant (Variation ID: 2175738). Experimental studies and prediction algorithms are not available or were not evaluated, and the functional significance of this variant is currently unknown. In summary, the available evidence is currently insufficient to determine the role of this variant in disease. Therefore, it has been classified as a Variant of Uncertain Significance.

Ambry Genetics
Classification: Uncertain significance. Last evaluated: 2021-07-20. Review status: criteria provided, single submitter. Criteria: Ambry Variant Classification Scheme 2023. Collection method: clinical testing. Allele origin: germline.